The following is an entry in ClinVar:

ClinVar aggregate classification (germline): Uncertain significance (1 of 4 stars; one submission).

Allele frequency attached by ClinVar (database versions not stated): TOPMed below 0.00001.
gnomAD v4.1: 4 of 1,614,146 alleles (0.00025%); highest among the groups gnomAD compares: Admixed American, 0.005%; no homozygotes.

Submission:

Labcorp Genetics (formerly Invitae), Labcorp
Classification: Uncertain significance. Last evaluated: 2022-06-29. Review status: criteria provided, single submitter. Criteria: Invitae Variant Classification Sherloc (09022015). Collection method: clinical testing. Allele origin: germline.
Comment: Algorithms developed to predict the effect of missense changes on protein structure and function are either unavailable or do not agree on the potential impact of this missense change (SIFT: "Tolerated"; PolyPhen-2: "Probably Damaging"; Align-GVGD: "Class C0"). In summary, the available evidence is currently insufficient to determine the role of this variant in disease. Therefore, it has been classified as a Variant of Uncertain Significance. This variant has not been reported in the literature in individuals affected with AHR-related conditions. This variant is present in population databases (rs754340852, gnomAD 0.006%). This sequence change replaces leucine, which is neutral and non-polar, with phenylalanine, which is neutral and non-polar, at codon 539 of the AHR protein (p.Leu539Phe).

NM_001621.5(AHR):c.1617G>T (p.Leu539Phe)

Gene: AHR (aryl hydrocarbon receptor; plus strand). Cytogenetic location: 7p21.1.
Variant type: single nucleotide variant.
Coding change: c.1617G>T on transcript NM_001621.5 (MANE Select); coding-DNA position 1617, G replaced by T.
Protein change: p.Leu539Phe; replaces leucine 539 with phenylalanine.
Molecular consequence: missense variant.
Genome position (GRCh38, 1-based): chr7:17,339,442, G>T. VCF-style: chr7-17339442-G-T. GRCh37 (hg19) VCF-style: chr7-17379066-G-T.
Other names: short protein forms L539F.
Identifiers: ClinVar variation 1924128 (VCV001924128.3), dbSNP rs754340852, ClinGen allele CA4172157.